The following is an entry in ClinVar:

NM_005236.3(ERCC4):c.1336G>T (p.Ala446Ser)

Gene: ERCC4 (ERCC excision repair 4, endonuclease catalytic subunit; plus strand). Cytogenetic location: 16p13.12.
Variant type: single nucleotide variant.
Coding change: c.1336G>T on transcript NM_005236.3 (MANE Select); coding-DNA position 1336, G replaced by T.
Protein change: p.Ala446Ser; replaces alanine 446 with serine.
Molecular consequence: missense variant.
Genome position (GRCh38, 1-based): chr16:13,935,268, G>T. VCF-style: chr16-13935268-G-T. GRCh37 (hg19) VCF-style: chr16-14029125-G-T.
Other names: c.1336G>T (NM_005236.2); short protein forms A446S.
Identifiers: ClinVar variation 1037862 (VCV001037862.8), dbSNP rs1298488189, ClinGen allele CA394809719.

ClinVar aggregate classification (germline): Uncertain significance. Review status: criteria provided, multiple submitters, no conflicts (2 of 4 stars). 4 submissions from 3 submitters: Uncertain significance (4). Last evaluated 2025-01-26.

Conditions:
Fanconi anemia complementation group Q. Identifiers: Orphanet 84, MedGen C3808988, MONDO:0014108, OMIM 615272.
Cockayne syndrome. Identifiers: Orphanet 191, MedGen C0009207, MONDO:0016006.
Xeroderma pigmentosum, group F (XPF). Also called: ERCC4-Related Xeroderma Pigmentosum; XERODERMA PIGMENTOSUM VI; XP, GROUP F; XERODERMA PIGMENTOSUM, TYPE F; Xeroderma pigmentosum, type 6; XERODERMA PIGMENTOSUM, COMPLEMENTATION GROUP F. Identifiers: MedGen C0268140, MONDO:0010215, OMIM 278760.

Allele frequency attached by ClinVar (database versions not stated): gnomAD 0.00001; gnomAD exomes 0.00001; TOPMed 0.00002.
gnomAD v4.1: 21 of 1,613,964 alleles (0.0013%); highest among the groups gnomAD compares: Non-Finnish European, 0.0018%; no homozygotes.

Submissions (4):

St. Jude Molecular Pathology, St. Jude Children's Research Hospital
Classification: Uncertain significance for Xeroderma pigmentosum, group F. Last evaluated: 2025-01-26. Review status: criteria provided, single submitter. Criteria: St. Jude Assertion Criteria 2020. Collection method: clinical testing. Allele origin: germline.
Comment: The ERCC4 c.1336G>T (p.Ala446Ser) missense change has a maximum subpopulation frequency of 0.0018% in gnomAD v2.1.1. The in silico tool REVEL predicts a benign effect on protein function, but to our knowledge this prediction has not been confirmed by functional studies. This variant has been reported as heterozygous in at least one individual with a head and neck squamous cell carcinoma diagnosed before age 50 (PMID: 28678401). To our knowledge, this variant has not been reported in individuals with Fanconi anemia or Xeroderma pigmentosum. In summary, the evidence currently available is insufficient to determine the clinical significance of this variant. It has therefore been classified as of uncertain significance.

Labcorp Genetics (formerly Invitae), Labcorp
Classification: Uncertain significance for Fanconi anemia complementation group Q; Xeroderma pigmentosum, group F; Cockayne syndrome. Last evaluated: 2024-10-23. Review status: criteria provided, single submitter. Criteria: Invitae Variant Classification Sherloc (09022015). Collection method: clinical testing. Allele origin: germline.
Comment: This sequence change replaces alanine, which is neutral and non-polar, with serine, which is neutral and polar, at codon 446 of the ERCC4 protein (p.Ala446Ser). This variant is present in population databases (no rsID available, gnomAD 0.0009%). This variant has not been reported in the literature in individuals affected with ERCC4-related conditions. ClinVar contains an entry for this variant (Variation ID: 1037862). Invitae Evidence Modeling of protein sequence and biophysical properties (such as structural, functional, and spatial information, amino acid conservation, physicochemical variation, residue mobility, and thermodynamic stability) indicates that this missense variant is not expected to disrupt ERCC4 protein function with a negative predictive value of 80%. In summary, the available evidence is currently insufficient to determine the role of this variant in disease. Therefore, it has been classified as a Variant of Uncertain Significance.

St. Jude Molecular Pathology, St. Jude Children's Research Hospital
Classification: Uncertain significance for Fanconi anemia complementation group Q. Last evaluated: 2022-10-31. Review status: criteria provided, single submitter. Criteria: St. Jude Assertion Criteria 2020. Collection method: clinical testing. Allele origin: germline.
Comment: the same text as in the submission from St. Jude Molecular Pathology, St. Jude Children's Research Hospital above.

Blueprint Genetics
Classification: Uncertain significance. Last evaluated: 2022-10-14. Review status: criteria provided, single submitter. Criteria: ACMG Guidelines, 2015. Collection method: clinical testing. Allele origin: germline.